The following is an entry in ClinVar:

ClinVar aggregate classification (germline): Uncertain significance. Review status: criteria provided, multiple submitters, no conflicts (2 of 4 stars). 2 submissions from 2 submitters: Uncertain significance (2). Last evaluated 2025-03-23.

Conditions:
Sitosterolemia 2. Identifiers: MedGen C5231453, MONDO:0020748, OMIM 618666.
Cardiovascular phenotype. Identifiers: MedGen CN230736.

Allele frequency attached by ClinVar (database versions not stated): TOPMed 0.00001.
gnomAD v4.1: 41 of 1,614,048 alleles (0.0025%); highest among the groups gnomAD compares: Non-Finnish European, 0.0033%; no homozygotes.

Submissions (2):

Ambry Genetics
Classification: Uncertain significance for Cardiovascular phenotype. Last evaluated: 2025-03-23. Review status: criteria provided, single submitter. Criteria: Ambry Variant Classification Scheme 2023. Collection method: clinical testing. Allele origin: germline.
Comment: The p.L177V variant (also known as c.529C>G), located in coding exon 5 of the ABCG5 gene, results from a C to G substitution at nucleotide position 529. The leucine at codon 177 is replaced by valine, an amino acid with highly similar properties. This amino acid position is conserved. In addition, this alteration is predicted to be deleterious by in silico analysis. Based on the available evidence, the clinical significance of this variant remains unclear.

New York Genome Center
Classification: Uncertain significance for Sitosterolemia 2. Last evaluated: 2021-01-12. Review status: criteria provided, single submitter. Criteria: NYGC Assertion Criteria 2020. Collection method: clinical testing. Allele origin: germline. Observed: 1 heterozygote.

NM_022436.3(ABCG5):c.529C>G (p.Leu177Val)

Genes: ABCG5 (ATP binding cassette subfamily G member 5; minus strand), DYNC2LI1 (dynein cytoplasmic 2 light intermediate chain 1; plus strand). Cytogenetic location: 2p21.
Variant type: single nucleotide variant.
Coding change: c.529C>G on transcript NM_022436.3 (MANE Select); coding-DNA position 529, C replaced by G.
Protein change: p.Leu177Val; replaces leucine 177 with valine.
Molecular consequence: missense variant. On other transcripts: 3 prime UTR variant (2).
Genome position (GRCh38, 1-based): chr2:43,828,088, G>C on the plus strand (C>G on the coding strand, the complement: ABCG5 is on the minus strand). VCF-style: chr2-43828088-G-C. GRCh37 (hg19) VCF-style: chr2-44055227-G-C.
Other names: c.*718G>C (NM_001348912.2, NM_001348913.2); short protein forms L177V.
Identifiers: ClinVar variation 1803916 (VCV001803916.6), dbSNP rs1305628120, ClinGen allele CA346667555.